The following is an entry in ClinVar:

NM_173596.3(SLC39A5):c.144C>T (p.Gly48=)

Gene: SLC39A5 (solute carrier family 39 member 5; plus strand). Cytogenetic location: 12q13.3.
Variant type: single nucleotide variant.
Coding change: c.144C>T on transcript NM_173596.3 (MANE Select); coding-DNA position 144, C replaced by T.
Protein change: p.Gly48=; no amino-acid change (glycine 48 retained).
Molecular consequence: synonymous variant.
Genome position (GRCh38, 1-based): chr12:56,231,418, C>T. VCF-style: chr12-56231418-C-T. GRCh37 (hg19) VCF-style: chr12-56625202-C-T.
Other names: c.144C>T, p.Gly48= (NM_001135195.2).
Identifiers: ClinVar variation 1701202 (VCV001701202.32), dbSNP rs201565086, ClinGen allele CA6626967.

ClinVar aggregate classification (germline): Likely benign. Review status: criteria provided, single submitter (1 of 4 stars). 2 submissions from 2 submitters: Likely benign (1). 1 of the submissions does not count toward it. Last evaluated 2022-07-01.

Conditions:
SLC39A5-related disorder. Also called: SLC39A5-related condition.

Allele frequency attached by ClinVar (database versions not stated): ESP Exome Variant Server 0.00008; gnomAD 0.00008 and 0.00009; ExAC 0.00014; TOPMed 0.00014; 1000 Genomes Project 0.00020; 1000 Genomes Project 30x 0.00031.
gnomAD v4.1: 214 of 1,614,080 alleles (0.013%); highest among the groups gnomAD compares: Non-Finnish European, 0.017%; 1 homozygote.

Submissions (2):

CeGaT Center for Human Genetics Tuebingen
Classification: Likely benign. Last evaluated: 2022-07-01. Review status: criteria provided, single submitter. Criteria: CeGaT Center For Human Genetics Tuebingen Variant Classification Criteria Version 2. Collection method: clinical testing. Allele origin: germline. Affected: yes. Observed: 1 variant allele.
Comment: SLC39A5: BP4, BP7

PreventionGenetics, part of Exact Sciences
Classification: Likely benign for SLC39A5-related condition. Last evaluated: 2019-03-06. Review status: no assertion criteria provided. Collection method: clinical testing. Allele origin: germline. Not counted in ClinVar's aggregate classification.
Comment: This variant is classified as likely benign based on ACMG/AMP sequence variant interpretation guidelines (Richards et al. 2015 PMID: 25741868, with internal and published modifications).